The following is an entry in ClinVar:

NM_004706.4(ARHGEF1):c.877+5T>G

Gene: ARHGEF1 (Rho guanine nucleotide exchange factor 1; plus strand). Cytogenetic location: 19q13.2.
Variant type: single nucleotide variant.
Coding change: c.877+5T>G on transcript NM_004706.4 (MANE Select); 5 bases into the intron after coding-DNA position 877, T replaced by G.
Molecular consequence: intron variant.
Genome position (GRCh38, 1-based): chr19:41,894,666, T>G. VCF-style: chr19-41894666-T-G. GRCh37 (hg19) VCF-style: chr19-42398739-T-G.
Other names: c.877+5T>G (NM_001396006.1, NM_001396003.1, NM_001396000.1); c.778+5T>G (NM_198977.2, NM_001396004.1, NM_001396002.1); c.922+5T>G (NM_199002.2).
Identifiers: ClinVar variation 4753576 (VCV004753576.1).

ClinVar aggregate classification (germline): Uncertain significance (1 of 4 stars; one submission).

gnomAD v4.1: 4 of 1,613,988 alleles (0.00025%); highest among the groups gnomAD compares: Non-Finnish European, 0.00034%; no homozygotes.

Submission:

Labcorp Genetics (formerly Invitae), Labcorp
Classification: Uncertain significance. Last evaluated: 2025-11-15. Review status: criteria provided, single submitter. Criteria: Invitae Variant Classification Sherloc (09022015). Collection method: clinical testing. Allele origin: germline.
Comment: This sequence change falls in intron 11 of the ARHGEF1 gene. It does not directly change the encoded amino acid sequence of the ARHGEF1 protein. It affects a nucleotide within the consensus splice site. This variant is present in population databases (rs782308420, gnomAD 0.0009%). This variant has not been reported in the literature in individuals affected with ARHGEF1-related conditions. Variants that disrupt the consensus splice site are a relatively common cause of aberrant splicing (PMID: 17576681, 9536098). Algorithms developed to predict the effect of sequence changes on RNA splicing suggest that this variant may create or strengthen a splice site. In summary, the available evidence is currently insufficient to determine the role of this variant in disease. Therefore, it has been classified as a Variant of Uncertain Significance.

Literature cited by the submitters: PubMed 17576681; PubMed 9536098.